The following is an entry in ClinVar:

NM_001330260.2(SCN8A):c.1162A>G (p.Met388Val)

Gene: SCN8A (sodium voltage-gated channel alpha subunit 8; plus strand). Cytogenetic location: 12q13.13.
Variant type: single nucleotide variant.
Coding change: c.1162A>G on transcript NM_001330260.2 (MANE Select); coding-DNA position 1162, A replaced by G.
Protein change: p.Met388Val; replaces methionine 388 with valine.
Molecular consequence: missense variant.
Genome position (GRCh38, 1-based): chr12:51,705,444, A>G. VCF-style: chr12-51705444-A-G. GRCh37 (hg19) VCF-style: chr12-52099228-A-G.
Other names: c.1162A>G, p.Met388Val (NM_001177984.3, NM_001369788.1, NM_014191.4); short protein forms M388V.
Identifiers: ClinVar variation 1299601 (VCV001299601.1), dbSNP rs2138748054, ClinGen allele CA385227593.

ClinVar aggregate classification (germline): Uncertain significance (1 of 4 stars; one submission).

Conditions:
Developmental and epileptic encephalopathy, 13 (DEE13). Also called: Developmental and Epileptic Encephalopathy (SCN8A-DEE); Early infantile epileptic encephalopathy 13; SCN8A-Related Epilepsy. Identifiers: Orphanet 442835, MedGen C3281191, MONDO:0013801, OMIM 614558.

Submission:

Laboratory of Medical Genetics, National & Kapodistrian University of Athens
Classification: Uncertain significance for Developmental and epileptic encephalopathy, 13. Last evaluated: 2021-10-06. Review status: criteria provided, single submitter. Criteria: ACMG Guidelines, 2015. Collection method: clinical testing. Allele origin: maternal.
Comment: PM2, PP2, PP3